The following is an entry in ClinVar:

NM_014053.4(FLVCR1):c.474G>A (p.Val158=)

Gene: FLVCR1 (FLVCR choline and heme transporter 1; plus strand). Cytogenetic location: 1q32.3.
Variant type: single nucleotide variant.
Coding change: c.474G>A on transcript NM_014053.4 (MANE Select); coding-DNA position 474, G replaced by A.
Protein change: p.Val158=; no amino-acid change (valine 158 retained).
Molecular consequence: synonymous variant.
Genome position (GRCh38, 1-based): chr1:212,858,926, G>A. VCF-style: chr1-212858926-G-A. GRCh37 (hg19) VCF-style: chr1-213032268-G-A.
Identifiers: ClinVar variation 4988084 (VCV004988084.1).
Genomic context (GRCh38, chr1:212,858,926, plus strand): 5'-CTACGGTGTCACCTTGCTGCACATCGACTGGCTGTCCATGGTGTACATGCTGGCCTACGT[G>A]CCCCTCATCTTCCCGGCCACCTGGCTGCTGGACACCAGAGGCCTGCGGCTCACCGCCCTG-3'
Protein context (NP_054772.1, residues 148-168): WLSMVYMLAY[Val158=]PLIFPATWLL

ClinVar aggregate classification (germline): Likely benign (1 of 4 stars; one submission).

Conditions:
FLVCR1-related disorder. Also called: FLVCR1-related condition.

gnomAD v4.1: 12 of 1,614,250 alleles (0.00074%); highest among the groups gnomAD compares: Non-Finnish European, 0.001%; no homozygotes.

Submission:

PreventionGenetics, part of Exact Sciences
Classification: Likely benign for FLVCR1-related condition. Last evaluated: 2025-09-22. Review status: criteria provided, single submitter. Criteria: ACMG Guidelines, 2015. Collection method: clinical testing. Allele origin: germline.
Comment: This variant is classified as likely benign based on ACMG/AMP sequence variant interpretation guidelines (Richards et al. 2015 PMID: 25741868, with internal and published modifications).